The following is an entry in ClinVar:

NM_004369.4(COL6A3):c.9494-10C>T

Genes: COL6A3 (collagen type VI alpha 3 chain; minus strand), LOC126806573 (CDK7 strongly-dependent group 2 enhancer GRCh37_chr2:238233151-238234350; plus strand). Cytogenetic location: 2q37.3.
Variant type: single nucleotide variant.
Coding change: c.9494-10C>T on transcript NM_004369.4 (MANE Select); 10 bases into the intron before coding-DNA position 9494, C replaced by T.
Molecular consequence: intron variant.
Genome position (GRCh38, 1-based): chr2:237,324,824, G>A on the plus strand (C>T on the coding strand, the complement: COL6A3 is on the minus strand). VCF-style: chr2-237324824-G-A. GRCh37 (hg19) VCF-style: chr2-238233467-G-A.
Other names: c.7673-10C>T (NM_057166.5); c.8876-10C>T (NM_057167.4).
Identifiers: ClinVar variation 285453 (VCV000285453.55), dbSNP rs184617787, ClinGen allele CA2187242.
Genomic context (GRCh38, chr2:237,324,824, plus strand): 5'-CCACCCACGCTTAGGTTCCCATCACACTGATGACTCCGGGTTTGGCGAGCACTGAGCGTC[G>A]AGAGAGGGGGTGGGTGGGGTGAGGTGAGGAGCCGAGAGAAGAGAGGAAAAGCCACATTAC-3'

ClinVar aggregate classification (germline): Conflicting classifications of pathogenicity. Review status: criteria provided, conflicting classifications (1 of 4 stars). 7 submissions from 7 submitters: Uncertain significance (2); Benign (2); Likely benign (2). 1 of the submissions does not count toward it. Last evaluated 2026-01-18.

Conditions:
COL6A3-related disorder. Also called: COL6A3-related disorders; COL6A3-related condition.
Collagen 6-related myopathy. Identifiers: MedGen CN117976, MONDO:0100225.
Bethlem myopathy 1A. Also called: Bethlem myopathy 1; Bethlem Muscular Dystrophy; MYOPATHY, BENIGN CONGENITAL, WITH CONTRACTURES. Identifiers: Orphanet 610, MedGen CN029274, MONDO:0024530, OMIM 158810.

Allele frequency attached by ClinVar (database versions not stated): 1000 Genomes Project 30x 0.00016; 1000 Genomes Project 0.00020; TOPMed 0.00031; ESP Exome Variant Server 0.00046; gnomAD 0.00048 and 0.00050; gnomAD exomes 0.00053 and 0.00065; ExAC 0.00058.
gnomAD v4.1: 1,023 of 1,612,988 alleles (0.063%); highest among the groups gnomAD compares: Non-Finnish European, 0.072%; 1 homozygote.

Submissions (7):

Labcorp Genetics (formerly Invitae), Labcorp
Classification: Benign for Bethlem myopathy 1A. Last evaluated: 2026-01-18. Review status: criteria provided, single submitter. Criteria: Invitae Variant Classification Sherloc (09022015). Collection method: clinical testing. Allele origin: germline.

Blueprint Genetics
Classification: Likely benign. Last evaluated: 2024-09-18. Review status: criteria provided, single submitter. Criteria: ACMG Guidelines, 2015. Collection method: clinical testing. Allele origin: germline.

CeGaT Center for Human Genetics Tuebingen
Classification: Uncertain significance. Last evaluated: 2021-08-01. Review status: criteria provided, single submitter. Criteria: CeGaT Center For Human Genetics Tuebingen Variant Classification Criteria Version 2. Collection method: clinical testing. Allele origin: germline. Affected: yes. Observed: 1 variant allele.

GeneDx
Classification: Likely benign. Last evaluated: 2021-01-12. Review status: criteria provided, single submitter. Criteria: GeneDx Variant Classification Process June 2021. Collection method: clinical testing. Allele origin: germline. Affected: yes.
Comment: This variant is associated with the following publications: (PMID: 30564623)

Illumina Laboratory Services, Illumina
Classification: Benign for Collagen VI-related myopathy. Last evaluated: 2018-01-13. Review status: criteria provided, single submitter. Criteria: ICSL Variant Classification Criteria 13 December 2019. Collection method: clinical testing. Allele origin: germline.
Comment: This variant was observed in the ICSL laboratory as part of a predisposition screen in an ostensibly healthy population. It had not been previously curated by ICSL or reported in the Human Gene Mutation Database (HGMD: prior to June 1st, 2018), and was therefore a candidate for classification through an automated scoring system. Utilizing variant allele frequency, disease prevalence and penetrance estimates, and inheritance mode, an automated score was calculated to assess if this variant is too frequent to cause the disease. Based on the score and internal cut-off values, a variant classified as benign is not then subjected to further curation. The score for this variant resulted in a classification of benign for this disease.

Eurofins Ntd Llc (ga)
Classification: Uncertain significance. Last evaluated: 2018-01-12. Review status: criteria provided, single submitter. Criteria: EGL Classification Definitions 2015. Collection method: clinical testing. Allele origin: germline. Observed: 11 variant alleles, 11 heterozygotes.

PreventionGenetics, part of Exact Sciences
Classification: Likely benign for COL6A3-related condition. Last evaluated: 2020-10-27. Review status: no assertion criteria provided. Collection method: clinical testing. Allele origin: germline. Not counted in ClinVar's aggregate classification.
Comment: This variant is classified as likely benign based on ACMG/AMP sequence variant interpretation guidelines (Richards et al. 2015 PMID: 25741868, with internal and published modifications).